The following is an entry in ClinVar:

NM_015001.3(SPEN):c.1366A>C (p.Asn456His)

Gene: SPEN (spen family transcriptional repressor; plus strand). Cytogenetic location: 1p36.13.
Variant type: single nucleotide variant.
Coding change: c.1366A>C on transcript NM_015001.3 (MANE Select); coding-DNA position 1366, A replaced by C.
Protein change: p.Asn456His; replaces asparagine 456 with histidine.
Molecular consequence: missense variant.
Genome position (GRCh38, 1-based): chr1:15,916,250, A>C. VCF-style: chr1-15916250-A-C. GRCh37 (hg19) VCF-style: chr1-16242745-A-C.
Other names: short protein forms N456H.
Identifiers: ClinVar variation 3355069 (VCV003355069.2).

ClinVar aggregate classification (germline): Uncertain significance. Review status: criteria provided, single submitter (1 of 4 stars). 2 submissions from 2 submitters: Uncertain significance (1). 1 of the submissions does not count toward it. Last evaluated 2025-05-18.

Conditions:
SPEN-related disorder. Also called: SPEN-related condition.
Inborn genetic diseases. Identifiers: MedGen C0950123, MeSH D030342.

Submissions (2):

Ambry Genetics
Classification: Uncertain significance for Inborn genetic diseases. Last evaluated: 2025-05-18. Review status: criteria provided, single submitter. Criteria: Ambry Variant Classification Scheme 2023. Collection method: clinical testing. Allele origin: germline.

PreventionGenetics, part of Exact Sciences
Classification: Uncertain significance for SPEN-related condition. Last evaluated: 2024-07-05. Review status: no assertion criteria provided. Collection method: clinical testing. Allele origin: germline. Not counted in ClinVar's aggregate classification.
Comment: The SPEN c.1366A>C variant is predicted to result in the amino acid substitution p.Asn456His. To our knowledge, this variant has not been reported in the literature or in a large population database, indicating this variant is rare. At this time, the clinical significance of this variant is uncertain due to the absence of conclusive functional and genetic evidence.